The following is an entry in ClinVar:

NM_024989.4(PGAP1):c.310A>G (p.Ile104Val)

Gene: PGAP1 (post-GPI attachment to proteins inositol deacylase 1; minus strand). Cytogenetic location: 2q33.1.
Variant type: single nucleotide variant.
Coding change: c.310A>G on transcript NM_024989.4 (MANE Select); coding-DNA position 310, A replaced by G.
Protein change: p.Ile104Val; replaces isoleucine 104 with valine.
Molecular consequence: missense variant. On other transcripts: 5 prime UTR variant (2).
Genome position (GRCh38, 1-based): chr2:196,916,585, T>C on the plus strand (A>G on the coding strand, the complement: PGAP1 is on the minus strand). VCF-style: chr2-196916585-T-C. GRCh37 (hg19) VCF-style: chr2-197781309-T-C.
Other names: c.-213A>G (NM_001321099.2); c.-802A>G (NM_001321100.2); short protein forms I104V.
Identifiers: ClinVar variation 771633 (VCV000771633.14), dbSNP rs200242648, ClinGen allele CA2041228.

ClinVar aggregate classification (germline): Likely benign. Review status: criteria provided, multiple submitters, no conflicts (2 of 4 stars). 3 submissions from 3 submitters: Likely benign (2). 1 of the submissions does not count toward it. Last evaluated 2025-11-02.

Conditions:
PGAP1-related disorder. Also called: PGAP1-related condition.
Intellectual disability, autosomal recessive 42 (NEDDSBA). Also called: GLYCOSYLPHOSPHATIDYLINOSITOL BIOSYNTHESIS DEFECT 9; Neurodevelopmental disorder with dysmorphic features, spasticity, and brain abnormalities. Identifiers: Orphanet 88616, MedGen C4014343, MONDO:0014348, OMIM 615802.

Allele frequency attached by ClinVar (database versions not stated): gnomAD exomes 0.00020 and 0.00033; gnomAD 0.00017 and 0.00018; TOPMed 0.00017; ESP Exome Variant Server 0.00015; ExAC 0.00026.
gnomAD v4.1: 331 of 1,606,152 alleles (0.021%); highest among the groups gnomAD compares: Admixed American, 0.027%; 1 homozygote.

Submissions (3):

Labcorp Genetics (formerly Invitae), Labcorp
Classification: Likely benign for Intellectual disability, autosomal recessive 42. Last evaluated: 2025-11-02. Review status: criteria provided, single submitter. Criteria: Invitae Variant Classification Sherloc (09022015). Collection method: clinical testing. Allele origin: germline.

Breakthrough Genomics
Classification: Likely benign. Review status: criteria provided, single submitter. Criteria: ACMG Guidelines, 2015. Collection method: not provided. Allele origin: germline. Inheritance: Autosomal recessive inheritance. Affected: yes.

PreventionGenetics, part of Exact Sciences
Classification: Likely benign for PGAP1-related condition. Last evaluated: 2019-06-10. Review status: no assertion criteria provided. Collection method: clinical testing. Allele origin: germline. Not counted in ClinVar's aggregate classification.
Comment: This variant is classified as likely benign based on ACMG/AMP sequence variant interpretation guidelines (Richards et al. 2015 PMID: 25741868, with internal and published modifications).